The following is an entry in ClinVar:

ClinVar aggregate classification (germline): Pathogenic (1 of 4 stars; one submission).

Conditions:
Cohen syndrome (COH1). Also called: PEPPER SYNDROME; Cutis verticis gyrata, retinitis pigmentosa, and sensorineural deafness. Identifiers: Orphanet 193, MedGen C0265223, MONDO:0008999, OMIM 216550.

Submission:

Labcorp Genetics (formerly Invitae), Labcorp
Classification: Pathogenic for Cohen syndrome. Last evaluated: 2017-07-06. Review status: criteria provided, single submitter. Criteria: Invitae Variant Classification Sherloc (09022015). Collection method: clinical testing. Allele origin: germline.
Comment: For these reasons, this variant has been classified as Pathogenic. Smaller in-frame deletions encompassed by this variant (deletion of exons 20-21 or exons 18-21) have been reported in individuals affected with Cohen syndrome (PMID: 15141358, 16648375). Deletion of exons 8-23 has not been reported in the literature in individuals with VPS13B-related disease. This variant is an in-frame deletion of the genomic region encompassing exons 8-23 of the VPS13B gene. It preserves the integrity of the reading frame.

Literature cited by the submitters: PubMed 15141358; PubMed 16648375.

NC_000008.11:g.(?_99121157)_(99193077_?)del

Gene: VPS13B (vacuolar protein sorting 13 homolog B; plus strand). Cytogenetic location: 8q22.2.
Variant type: Deletion.
Identifiers: ClinVar variation 459244 (VCV000459244.8).